The following is an entry in ClinVar:

ClinVar aggregate classification (germline): Uncertain significance. Review status: criteria provided, multiple submitters, no conflicts (2 of 4 stars). 2 submissions from 2 submitters: Uncertain significance (2). Last evaluated 2025-04-14.

Conditions:
Cardiovascular phenotype. Identifiers: MedGen CN230736.
Long QT syndrome (LQTS). Identifiers: MedGen C0023976, MeSH D008133, MONDO:0002442. Disease mechanism: loss of function. Inheritance: Various modes of inheritance.
Jervell and Lange-Nielsen syndrome 2 (JLNS2). Identifiers: Orphanet 768, Orphanet 90647, MedGen C2676723, MONDO:0012871, OMIM 612347.
Long QT syndrome 5 (LQT5). Identifiers: Orphanet 101016, Orphanet 768, MedGen C1867904, MONDO:0013372, OMIM 613695.

Submissions (3):

Ambry Genetics
Classification: Uncertain significance for Cardiovascular phenotype. Last evaluated: 2025-04-14. Review status: criteria provided, single submitter. Criteria: Ambry Variant Classification Scheme 2023. Collection method: clinical testing. Allele origin: germline.
Comment: The c.179G>T (p.G60V) alteration is located in exon 3 (coding exon 1) of the KCNE1 gene. This alteration results from a G to T substitution at nucleotide position 179, causing the glycine (G) at amino acid position 60 to be replaced by a valine (V). This variant was not reported in population-based cohorts in the Genome Aggregation Database (gnomAD). Another variant at the same codon, c.179G>A (p.G60D) has been identified in individual(s) with features consistent with KCNE1-related long QT syndrome (Olesen, 2012; Christiansen, 2014). This amino acid position is highly conserved in available vertebrate species. This alteration is predicted to be deleterious by in silico analysis. Based on insufficient or conflicting evidence, the clinical significance of this alteration remains unclear.

Labcorp Genetics (formerly Invitae), Labcorp
Classification: Uncertain significance for Long QT syndrome. Last evaluated: 2022-10-26. Review status: criteria provided, single submitter. Criteria: Invitae Variant Classification Sherloc (09022015). Collection method: clinical testing. Allele origin: germline.
Comment: This sequence change replaces glycine, which is neutral and non-polar, with valine, which is neutral and non-polar, at codon 60 of the KCNE1 protein (p.Gly60Val). This variant is not present in population databases (gnomAD no frequency). This missense change has been observed in individual(s) with clinical features of KCNE1-related conditions (Invitae). Advanced modeling of protein sequence and biophysical properties (such as structural, functional, and spatial information, amino acid conservation, physicochemical variation, residue mobility, and thermodynamic stability) performed at Invitae indicates that this missense variant is expected to disrupt KCNE1 protein function. This variant disrupts the p.Gly60 amino acid residue in KCNE1. Other variant(s) that disrupt this residue have been observed in individuals with KCNE1-related conditions (Invitae), which suggests that this may be a clinically significant amino acid residue. In summary, the available evidence is currently insufficient to determine the role of this variant in disease. Therefore, it has been classified as a Variant of Uncertain Significance.

Roden Lab, Vanderbilt University Medical Center
No classification provided (evidence only). Condition: Long QT syndrome 5. Review status: no classification provided. Collection method: in vitro. Allele origin: not applicable. Functional consequence: Effect on ion channel function. Not counted in ClinVar's aggregate classification.
ClinVar note: "not provided" was previously submitted as the classification for the variant. However, the classification appeared to be based only on an observation of functional data so it was converted to no classification on 2025-07-30.

Literature cited by the submitters: PubMed 22471742 (cited by Ambry Genetics); PubMed 24606995 (cited by Ambry Genetics).

NM_000219.6(KCNE1):c.179G>T (p.Gly60Val)

Gene: KCNE1 (potassium voltage-gated channel subfamily E regulatory subunit 1; minus strand). Cytogenetic location: 21q22.12.
Variant type: single nucleotide variant.
Coding change: c.179G>T on transcript NM_000219.6 (MANE Select); coding-DNA position 179, G replaced by T.
Protein change: p.Gly60Val; replaces glycine 60 with valine.
Molecular consequence: missense variant.
Genome position (GRCh38, 1-based): chr21:34,449,456, C>A on the plus strand (G>T on the coding strand, the complement: KCNE1 is on the minus strand). VCF-style: chr21-34449456-C-A. GRCh37 (hg19) VCF-style: chr21-35821754-C-A.
Other names: c.179G>T, p.Gly60Val (NM_001127668.4, NM_001127669.4, NM_001127670.4 and 4 more transcripts); short protein forms G60V.
Identifiers: ClinVar variation 1722199 (VCV001722199.9), dbSNP rs758961135, ClinGen allele CA410198328.